The following is an entry in ClinVar:

NM_015272.5(RPGRIP1L):c.1226G>A (p.Arg409Lys)

Gene: RPGRIP1L (RPGRIP1 like; minus strand). Cytogenetic location: 16q12.2.
Variant type: single nucleotide variant.
Coding change: c.1226G>A on transcript NM_015272.5 (MANE Select); coding-DNA position 1226, G replaced by A.
Protein change: p.Arg409Lys; replaces arginine 409 with lysine.
Molecular consequence: missense variant.
Genome position (GRCh38, 1-based): chr16:53,664,887, C>T on the plus strand (G>A on the coding strand, the complement: RPGRIP1L is on the minus strand). VCF-style: chr16-53664887-C-T. GRCh37 (hg19) VCF-style: chr16-53698799-C-T.
Other names: c.1226G>A, p.Arg409Lys (NM_001127897.4, NM_001308334.3, NM_001330538.2); short protein forms R409K.
Identifiers: ClinVar variation 2111494 (VCV002111494.4), dbSNP rs2544398576, ClinGen allele CA395921495.
Genomic context (GRCh38, chr16:53,664,887, plus strand): 5'-TAGATGTCTGAAATGAGTAAGGCAGTGGTTATTTCAAATGTACCTCTTTCAGTTTTTAAT[C>T]TGTCAAGGATTTCAGTTTTGTCTGTTAAGTCAGACTTCAAGGCAGTCTCGAGCTGAGCAA-3'
Protein context (NP_056087.2, residues 399-419): DLTDKTEILD[Arg409Lys]LKTERDQNEK

ClinVar aggregate classification (germline): Uncertain significance (1 of 4 stars; one submission).

Conditions:
Joubert syndrome. Also called: CEREBELLOPARENCHYMAL DISORDER IV; JOUBERT-BOLTSHAUSER SYNDROME; Familial aplasia of the vermis. Identifiers: Orphanet 475, MedGen C5979921, MONDO:0018772.
Meckel-Gruber syndrome. Also called: DYSENCEPHALIA SPLANCHNOCYSTICA; GRUBER SYNDROME; Dysencephalia splachnocystica. Identifiers: Orphanet 564, MedGen C0265215, MONDO:0018921.

Submission:

Labcorp Genetics (formerly Invitae), Labcorp
Classification: Uncertain significance for Joubert syndrome; Meckel-Gruber syndrome. Last evaluated: 2024-10-15. Review status: criteria provided, single submitter. Criteria: Invitae Variant Classification Sherloc (09022015). Collection method: clinical testing. Allele origin: germline.
Comment: This sequence change replaces arginine, which is basic and polar, with lysine, which is basic and polar, at codon 409 of the RPGRIP1L protein (p.Arg409Lys). This variant is not present in population databases (gnomAD no frequency). This variant has not been reported in the literature in individuals affected with RPGRIP1L-related conditions. ClinVar contains an entry for this variant (Variation ID: 2111494). Invitae Evidence Modeling of protein sequence and biophysical properties (such as structural, functional, and spatial information, amino acid conservation, physicochemical variation, residue mobility, and thermodynamic stability) indicates that this missense variant is not expected to disrupt RPGRIP1L protein function with a negative predictive value of 80%. In summary, the available evidence is currently insufficient to determine the role of this variant in disease. Therefore, it has been classified as a Variant of Uncertain Significance.